The following is an entry in ClinVar:

ClinVar aggregate classification (germline): Uncertain significance. Review status: criteria provided, multiple submitters, no conflicts (2 of 4 stars). 4 submissions from 4 submitters: Uncertain significance (4). Last evaluated 2024-11-22.

Conditions:
Hereditary cancer-predisposing syndrome. Also called: Neoplastic Syndromes, Hereditary; Tumor predisposition; Hereditary neoplastic syndrome; Hereditary Cancer Syndrome. Identifiers: Orphanet 140162, MedGen C0027672, MeSH D009386, MONDO:0015356.
Cardiovascular phenotype. Identifiers: MedGen CN230736.

gnomAD v4.1: 13 of 1,614,124 alleles (0.00081%); highest among the groups gnomAD compares: Non-Finnish European, 0.001%; no homozygotes.

Submissions (4):

Ambry Genetics
Classification: Uncertain significance for Cardiovascular phenotype; Hereditary cancer-predisposing syndrome. Last evaluated: 2024-11-22. Review status: criteria provided, single submitter. Criteria: Ambry Variant Classification Scheme 2023. Collection method: clinical testing. Allele origin: germline.
Comment: The p.A234T variant (also known as c.700G>A), located in coding exon 8 of the LZTR1 gene, results from a G to A substitution at nucleotide position 700. The alanine at codon 234 is replaced by threonine, an amino acid with similar properties. This amino acid position is highly conserved in available vertebrate species. In addition, the in silico prediction for this alteration is inconclusive. Based on the available evidence, the clinical significance of this variant remains unclear.

Labcorp Genetics (formerly Invitae), Labcorp
Classification: Uncertain significance. Last evaluated: 2024-04-23. Review status: criteria provided, single submitter. Criteria: Invitae Variant Classification Sherloc (09022015). Collection method: clinical testing. Allele origin: germline.
Comment: This sequence change replaces alanine, which is neutral and non-polar, with threonine, which is neutral and polar, at codon 234 of the LZTR1 protein (p.Ala234Thr). This variant is not present in population databases (gnomAD no frequency). This variant has not been reported in the literature in individuals affected with LZTR1-related conditions. ClinVar contains an entry for this variant (Variation ID: 1424796). Advanced modeling of protein sequence and biophysical properties (such as structural, functional, and spatial information, amino acid conservation, physicochemical variation, residue mobility, and thermodynamic stability) performed at Invitae indicates that this missense variant is not expected to disrupt LZTR1 protein function with a negative predictive value of 80%. In summary, the available evidence is currently insufficient to determine the role of this variant in disease. Therefore, it has been classified as a Variant of Uncertain Significance.

GeneDx
Classification: Uncertain significance. Last evaluated: 2023-09-26. Review status: criteria provided, single submitter. Criteria: GeneDx Variant Classification Process June 2021. Collection method: clinical testing. Allele origin: germline. Affected: yes.
Comment: Not observed at significant frequency in large population cohorts (gnomAD); In silico analysis supports that this missense variant does not alter protein structure/function; Has not been previously published as pathogenic or benign to our knowledge

Blueprint Genetics
Classification: Uncertain significance. Last evaluated: 2017-07-25. Review status: criteria provided, single submitter. Criteria: ACMG Guidelines, 2015. Collection method: clinical testing. Allele origin: germline.

NM_006767.4(LZTR1):c.700G>A (p.Ala234Thr)

Gene: LZTR1 (leucine zipper like post translational regulator 1; plus strand). Cytogenetic location: 22q11.21.
Variant type: single nucleotide variant.
Coding change: c.700G>A on transcript NM_006767.4 (MANE Select); coding-DNA position 700, G replaced by A.
Protein change: p.Ala234Thr; replaces alanine 234 with threonine.
Molecular consequence: missense variant.
Genome position (GRCh38, 1-based): chr22:20,990,434, G>A. VCF-style: chr22-20990434-G-A. GRCh37 (hg19) VCF-style: chr22-21344723-G-A.
Other names: short protein forms A234T.
Identifiers: ClinVar variation 1424796 (VCV001424796.13), dbSNP rs2147964039, ClinGen allele CA410780510.